The following is an entry in ClinVar:

ClinVar aggregate classification (germline): Benign/Likely benign. Review status: criteria provided, multiple submitters, no conflicts (2 of 4 stars). 2 submissions from 2 submitters: Benign (1); Likely benign (1). Last evaluated 2026-01-06.

Conditions:
Congenital contractural arachnodactyly (CCA). Also called: BEALS SYNDROME; Beals-Hecht syndrome; Arthrogryposis, distal, type 9. Identifiers: Orphanet 115, MedGen C0220668, MONDO:0007363, OMIM 121050.

Submissions (2):

Labcorp Genetics (formerly Invitae), Labcorp
Classification: Likely benign for Congenital contractural arachnodactyly. Last evaluated: 2026-01-06. Review status: criteria provided, single submitter. Criteria: Invitae Variant Classification Sherloc (09022015). Collection method: clinical testing. Allele origin: germline.

Women's Health and Genetics/Laboratory Corporation of America, LabCorp
Classification: Benign. Last evaluated: 2023-10-19. Review status: criteria provided, single submitter. Criteria: LabCorp Variant Classification Summary - May 2015. Collection method: clinical testing. Allele origin: germline.
Comment: Variant summary: FBN2 c.629-18_629-15dupTCTT alters a nucleotide located at a position not widely known to affect splicing. Consensus agreement among computation tools predict no significant impact on normal splicing. However, these predictions have yet to be confirmed by functional studies. The variant allele was found at a frequency of 7.6e-05 in 251374 control chromosomes. The observed variant frequency is approximately 60 fold of the estimated maximal expected allele frequency for a pathogenic variant in FBN2 causing Aortopathy phenotype (1.3e-06), strongly suggesting that the variant is benign. To our knowledge, no occurrence of c.629-18_629-15dupTCTT in individuals affected with Aortopathy and no experimental evidence demonstrating its impact on protein function have been reported. One submitter has cited clinical-significance assessments for this variant to ClinVar after 2014 and has classified the variant as likely benign. Based on the evidence outlined above, the variant was classified as benign.

NM_001999.4(FBN2):c.629-26TCTT[4]

Gene: FBN2 (fibrillin 2; minus strand). Cytogenetic location: 5q23.3.
Variant type: Microsatellite.
Coding change: c.629-26TCTT[4] on transcript NM_001999.4 (MANE Select); four copies in a row of the 4-base unit TCTT starting at c.629-26; the reference has three copies in a row; one copy, 4 bases duplicated.
Molecular consequence: intron variant.
Genome position (GRCh38, 1-based): chr5:128,464,936-128,464,939, AAGA duplicated on the plus strand (TCTT on the coding strand, the reverse complement: FBN2 is on the minus strand); duplicating any 4 consecutive bases within chr5:128,464,936-128,464,947 gives the same sequence; the position shown is the placement nearest the transcript's 3' end. VCF-style (leftmost placement, unchanged base first): chr5-128464935-G-GAAGA. GRCh37 (hg19) VCF-style: chr5-127800628-G-GAAGA.
Other names: c.629-18_629-15dupTCTT (NM_001999.4).
Identifiers: ClinVar variation 1624175 (VCV001624175.9), dbSNP rs778383061, ClinGen allele CA3396035.